The following is an entry in ClinVar:

NM_005431.2(XRCC2):c.689C>T (p.Ala230Val)

Gene: XRCC2 (X-ray repair cross complementing 2; minus strand). Cytogenetic location: 7q36.1.
Variant type: single nucleotide variant.
Coding change: c.689C>T on transcript NM_005431.2 (MANE Select); coding-DNA position 689, C replaced by T.
Protein change: p.Ala230Val; replaces alanine 230 with valine.
Molecular consequence: missense variant.
Genome position (GRCh38, 1-based): chr7:152,648,796, G>A on the plus strand (C>T on the coding strand, the complement: XRCC2 is on the minus strand). VCF-style: chr7-152648796-G-A. GRCh37 (hg19) VCF-style: chr7-152345881-G-A.
Other names: short protein forms A230V.
Identifiers: ClinVar variation 2562725 (VCV002562725.3), dbSNP rs2485880553, ClinGen allele CA370198162.
Genomic context (GRCh38, chr7:152,648,796, plus strand): 5'-CTGCTTTGAGAATCATCTTGTTTGGAGAAAAACATCCTGTGCTTCACCAGTTGCTGCCAT[G>A]CCTTACAGAGATAAGGTCTGTAGTCTATGTCCACATCACACAGTCGTCGAGAGGCATGAG-3'
Protein context (NP_005422.1, residues 220-240): DIDYRPYLCK[Ala230Val]WQQLVKHRMF

ClinVar aggregate classification (germline): Uncertain significance (1 of 4 stars; one submission).

Conditions:
Hereditary cancer-predisposing syndrome. Also called: Neoplastic Syndromes, Hereditary; Hereditary Cancer Syndrome; Hereditary neoplastic syndrome; Tumor predisposition. Identifiers: Orphanet 140162, MedGen C0027672, MeSH D009386, MONDO:0015356.

Allele frequency attached by ClinVar (database versions not stated): gnomAD exomes below 0.00001.
gnomAD v4.1: 1 of 1,614,198 alleles (0.000062%); highest among the groups gnomAD compares: Non-Finnish European, 0.000085%; no homozygotes.

Submission:

Ambry Genetics
Classification: Uncertain significance for Hereditary cancer-predisposing syndrome. Last evaluated: 2025-11-09. Review status: criteria provided, single submitter. Criteria: Ambry Variant Classification Scheme 2023. Collection method: clinical testing. Allele origin: germline.
Comment: The p.A230V variant (also known as c.689C>T), located in coding exon 3 of the XRCC2 gene, results from a C to T substitution at nucleotide position 689. The alanine at codon 230 is replaced by valine, an amino acid with similar properties. This amino acid position is conserved. In addition, this alteration is predicted to be tolerated by in silico analysis. Since supporting evidence is limited at this time, the clinical significance of this alteration remains unclear.